The following is an entry in ClinVar:

NM_006459.4(ERLIN1):c.588T>C (p.Leu196=)

Gene: ERLIN1 (ER lipid raft associated 1; minus strand). Cytogenetic location: 10q24.31.
Variant type: single nucleotide variant.
Coding change: c.588T>C on transcript NM_006459.4 (MANE Select); coding-DNA position 588, T replaced by C.
Protein change: p.Leu196=; no amino-acid change (leucine 196 retained).
Molecular consequence: synonymous variant. On other transcripts: non-coding transcript variant (6).
Genome position (GRCh38, 1-based): chr10:100,164,071, A>G on the plus strand (T>C on the coding strand, the complement: ERLIN1 is on the minus strand). VCF-style: chr10-100164071-A-G. GRCh37 (hg19) VCF-style: chr10-101923828-A-G.
Other names: c.588T>C, p.Leu196= (NM_001100626.2, NM_001347857.2, NM_001347859.2 and 2 more transcripts); c.336T>C, p.Leu112= (NM_001347856.2); c.108T>C, p.Leu36= (NM_001347858.2).
Identifiers: ClinVar variation 1144769 (VCV001144769.32), dbSNP rs142222778, ClinGen allele CA5646050.

ClinVar aggregate classification (germline): Likely benign. Review status: criteria provided, multiple submitters, no conflicts (2 of 4 stars). 2 submissions from 2 submitters: Likely benign (2). Last evaluated 2024-12-12.

Conditions:
Hereditary spastic paraplegia 62. Also called: Spastic paraplegia 62, autosomal recessive. Identifiers: Orphanet 401785, MedGen C4284588, MONDO:0014302, OMIM 615681.

Allele frequency attached by ClinVar (database versions not stated): gnomAD exomes 0.00001 and 0.00004; ExAC 0.00005; gnomAD 0.00005 and 0.00006; ESP Exome Variant Server 0.00008; TOPMed 0.00011.
gnomAD v4.1: 33 of 1,612,972 alleles (0.002%); highest among the groups gnomAD compares: African/African-American, 0.012%; no homozygotes.

Submissions (2):

Labcorp Genetics (formerly Invitae), Labcorp
Classification: Likely benign for Hereditary spastic paraplegia 62. Last evaluated: 2024-12-12. Review status: criteria provided, single submitter. Criteria: Invitae Variant Classification Sherloc (09022015). Collection method: clinical testing. Allele origin: germline.

CeGaT Center for Human Genetics Tuebingen
Classification: Likely benign. Last evaluated: 2023-09-01. Review status: criteria provided, single submitter. Criteria: CeGaT Center For Human Genetics Tuebingen Variant Classification Criteria Version 2. Collection method: clinical testing. Allele origin: germline. Affected: yes. Observed: 1 variant allele.
Comment: ERLIN1: BP4, BP7